The following is an entry in ClinVar:

NM_000070.3(CAPN3):c.644C>T (p.Ser215Phe)

Gene: CAPN3 (calpain 3; plus strand). Cytogenetic location: 15q15.1.
Variant type: single nucleotide variant.
Coding change: c.644C>T on transcript NM_000070.3 (MANE Select); coding-DNA position 644, C replaced by T.
Protein change: p.Ser215Phe; replaces serine 215 with phenylalanine.
Molecular consequence: missense variant.
Genome position (GRCh38, 1-based): chr15:42,388,939, C>T. VCF-style: chr15-42388939-C-T. GRCh37 (hg19) VCF-style: chr15-42681137-C-T.
Other names: c.644C>T, p.Ser215Phe (NM_024344.2, NM_173087.2); short protein forms S215F.
Identifiers: ClinVar variation 595431 (VCV000595431.7), dbSNP rs1566975550, ClinGen allele CA391998064.

ClinVar aggregate classification (germline): Uncertain significance. Review status: criteria provided, multiple submitters, no conflicts (2 of 4 stars). 2 submissions from 2 submitters: Uncertain significance (2). Last evaluated 2024-09-10.

Conditions:
Autosomal recessive limb-girdle muscular dystrophy type 2A (LGMDR1). Also called: Limb-girdle muscular dystrophy, type 2A; Muscular dystrophy, limb-girdle, type 2A, Amish; LEYDEN-MOEBIUS MUSCULAR DYSTROPHY; MUSCULAR DYSTROPHY, PELVOFEMORAL; Calpainopathy. Identifiers: Orphanet 267, MedGen C1869123, MONDO:0009675, OMIM 253600. Disease mechanism: loss of function.

Allele frequency attached by ClinVar (database versions not stated): gnomAD exomes below 0.00001.
gnomAD v4.1: 3 of 1,613,914 alleles (0.00019%); highest among the groups gnomAD compares: Non-Finnish European, 0.00025%; no homozygotes.

Submissions (2):

Labcorp Genetics (formerly Invitae), Labcorp
Classification: Uncertain significance for Autosomal recessive limb-girdle muscular dystrophy type 2A. Last evaluated: 2024-09-10. Review status: criteria provided, single submitter. Criteria: Invitae Variant Classification Sherloc (09022015). Collection method: clinical testing. Allele origin: germline.
Comment: This sequence change replaces serine, which is neutral and polar, with phenylalanine, which is neutral and non-polar, at codon 215 of the CAPN3 protein (p.Ser215Phe). This variant is not present in population databases (gnomAD no frequency). This missense change has been observed in individual(s) with autosomal recessive limb-girdle muscular dystrophy (PMID: 19556129). ClinVar contains an entry for this variant (Variation ID: 595431). Invitae Evidence Modeling of protein sequence and biophysical properties (such as structural, functional, and spatial information, amino acid conservation, physicochemical variation, residue mobility, and thermodynamic stability) indicates that this missense variant is expected to disrupt CAPN3 protein function with a positive predictive value of 80%. This variant disrupts the p.Ser215 amino acid residue in CAPN3. Other variant(s) that disrupt this residue have been observed in individuals with CAPN3-related conditions (PMID: 9150160), which suggests that this may be a clinically significant amino acid residue. In summary, the available evidence is currently insufficient to determine the role of this variant in disease. Therefore, it has been classified as a Variant of Uncertain Significance.

Eurofins Ntd Llc (ga)
Classification: Uncertain significance. Last evaluated: 2017-12-19. Review status: criteria provided, single submitter. Criteria: EGL Classification Definitions 2015. Collection method: clinical testing. Allele origin: germline. Observed: 1 variant allele, 1 heterozygote.

Literature cited by the submitters: PubMed 19556129 (cited by Labcorp Genetics (formerly Invitae), Labcorp); PubMed 9150160 (cited by Labcorp Genetics (formerly Invitae), Labcorp).